The following is an entry in ClinVar:

ClinVar aggregate classification (germline): Uncertain significance (0 of 4 stars; one submission).

Conditions:
SOS2-related disorder. Also called: SOS2-related condition.

Submission:

PreventionGenetics, part of Exact Sciences
Classification: Uncertain significance for SOS2-related condition. Last evaluated: 2023-12-05. Review status: no assertion criteria provided. Collection method: clinical testing. Allele origin: germline.
Comment: The SOS2 c.2653G>A variant is predicted to result in the amino acid substitution p.Asp885Asn. To our knowledge, this variant has not been reported in the literature or in a large population database, indicating this variant is rare. At this time, the clinical significance of this variant is uncertain due to the absence of conclusive functional and genetic evidence.

NM_006939.4(SOS2):c.2653G>A (p.Asp885Asn)

Gene: SOS2 (SOS Ras/Rho guanine nucleotide exchange factor 2; minus strand). Cytogenetic location: 14q21.3.
Variant type: single nucleotide variant.
Coding change: c.2653G>A on transcript NM_006939.4 (MANE Select); coding-DNA position 2653, G replaced by A.
Protein change: p.Asp885Asn; replaces aspartic acid 885 with asparagine.
Molecular consequence: missense variant.
Genome position (GRCh38, 1-based): chr14:50,145,184, C>T on the plus strand (G>A on the coding strand, the complement: SOS2 is on the minus strand). VCF-style: chr14-50145184-C-T. GRCh37 (hg19) VCF-style: chr14-50611902-C-T.
Other names: c.2554G>A, p.Asp852Asn (NM_001411020.1); short protein forms D852N, D885N.
Identifiers: ClinVar variation 3032101 (VCV003032101.2), dbSNP rs2502914382, ClinGen allele CA389642912.
Genomic context (GRCh38, chr14:50,145,184, plus strand): 5'-TTTCATCATCCCCGAGAAAAATGAAAAAGTTAAGCCTAAAACTTACCTCAAAGGTATGGT[C>T]TAGTCTGTATACTGACACTGAATTTACTGCACTGACTATCTCCAATACGCCATTGAAATT-3'
Protein context (NP_008870.2, residues 875-895): AVNSVSVYRL[Asp885Asn]HTFEALQERK